The following is an entry in ClinVar:

ClinVar aggregate classification (germline): Uncertain significance (1 of 4 stars; one submission).

Conditions:
Osteogenesis imperfecta type 8 (OI8). Identifiers: MedGen C1970458, MONDO:0012581, OMIM 610915.

Allele frequency attached by ClinVar (database versions not stated): TOPMed below 0.00001; gnomAD 0.00001; gnomAD exomes 0.00004.
gnomAD v4.1: 22 of 1,614,054 alleles (0.0014%); highest among the groups gnomAD compares: East Asian, 0.047%; no homozygotes.

Submission:

Labcorp Genetics (formerly Invitae), Labcorp
Classification: Uncertain significance for Osteogenesis imperfecta type 8. Last evaluated: 2024-08-05. Review status: criteria provided, single submitter. Criteria: Invitae Variant Classification Sherloc (09022015). Collection method: clinical testing. Allele origin: germline.
Comment: This sequence change replaces tyrosine, which is neutral and polar, with aspartic acid, which is acidic and polar, at codon 216 of the P3H1 protein (p.Tyr216Asp). This variant is not present in population databases (gnomAD no frequency). This variant has not been reported in the literature in individuals affected with P3H1-related conditions. ClinVar contains an entry for this variant (Variation ID: 1006608). Advanced modeling of protein sequence and biophysical properties (such as structural, functional, and spatial information, amino acid conservation, physicochemical variation, residue mobility, and thermodynamic stability) performed at Invitae indicates that this missense variant is expected to disrupt P3H1 protein function with a positive predictive value of 80%. In summary, the available evidence is currently insufficient to determine the role of this variant in disease. Therefore, it has been classified as a Variant of Uncertain Significance.

NM_022356.4(P3H1):c.646T>G (p.Tyr216Asp)

Gene: P3H1 (prolyl 3-hydroxylase 1; minus strand). Cytogenetic location: 1p34.2.
Variant type: single nucleotide variant.
Coding change: c.646T>G on transcript NM_022356.4 (MANE Select); coding-DNA position 646, T replaced by G.
Protein change: p.Tyr216Asp; replaces tyrosine 216 with aspartic acid.
Molecular consequence: missense variant.
Genome position (GRCh38, 1-based): chr1:42,759,363, A>C on the plus strand (T>G on the coding strand, the complement: P3H1 is on the minus strand). VCF-style: chr1-42759363-A-C. GRCh37 (hg19) VCF-style: chr1-43225034-A-C.
Other names: c.646T>G, p.Tyr216Asp (NM_001146289.2, NM_001243246.2); short protein forms Y216D.
Identifiers: ClinVar variation 1006608 (VCV001006608.6), dbSNP rs1378406205, ClinGen allele CA339960294.